The following is an entry in ClinVar:

ClinVar aggregate classification (germline): Uncertain significance (1 of 4 stars; one submission).

Conditions:
Neurofibromatosis, type 1 (NF1). Also called: Peripheral type neurofibromatosis; VON RECKLINGHAUSEN DISEASE; Neurofibromatosis, type I; NEUROFIBROMATOSIS, TYPE I, SOMATIC. Identifiers: Orphanet 636, MedGen C0027831, MONDO:0018975, OMIM 162200. Disease mechanism: loss of function.

Allele frequency attached by ClinVar (database versions not stated): gnomAD exomes below 0.00001; ExAC 0.00001.

Submission:

Labcorp Genetics (formerly Invitae), Labcorp
Classification: Uncertain significance for Neurofibromatosis, type 1. Last evaluated: 2023-07-16. Review status: criteria provided, single submitter. Criteria: Invitae Variant Classification Sherloc (09022015). Collection method: clinical testing. Allele origin: germline.
Comment: In summary, the available evidence is currently insufficient to determine the role of this variant in disease. Therefore, it has been classified as a Variant of Uncertain Significance. Advanced modeling of protein sequence and biophysical properties (such as structural, functional, and spatial information, amino acid conservation, physicochemical variation, residue mobility, and thermodynamic stability) performed at Invitae indicates that this missense variant is not expected to disrupt NF1 protein function. This variant has not been reported in the literature in individuals affected with NF1-related conditions. This variant is present in population databases (rs748907021, gnomAD 0.003%). This sequence change replaces isoleucine, which is neutral and non-polar, with methionine, which is neutral and non-polar, at codon 460 of the NF1 protein (p.Ile460Met).

NM_001042492.3(NF1):c.1380A>G (p.Ile460Met)

Gene: NF1 (neurofibromin 1; plus strand). Cytogenetic location: 17q11.2.
Variant type: single nucleotide variant.
Coding change: c.1380A>G on transcript NM_001042492.3 (MANE Select); coding-DNA position 1380, A replaced by G.
Protein change: p.Ile460Met; replaces isoleucine 460 with methionine.
Molecular consequence: missense variant.
Genome position (GRCh38, 1-based): chr17:31,206,359, A>G. VCF-style: chr17-31206359-A-G. GRCh37 (hg19) VCF-style: chr17-29533377-A-G.
Other names: c.1380A>G, p.Ile460Met (NM_000267.4, NM_001128147.3); short protein forms I460M.
Identifiers: ClinVar variation 2703006 (VCV002703006.3), dbSNP rs748907021, ClinGen allele CA8485758.
Genomic context (GRCh38, chr17:31,206,359, plus strand): 5'-AAATATGTTTGGTGAAACACTTCATAAAGCAGTGCAAGGTTGTGGAGCACACCCAGCAAT[A>G]CGAATGGCACCGGTAAGATAAATCACGAATTTTGAATCTCACCTCCTTTCTATTGCATTT-3'
Protein context (NP_001035957.1, residues 450-470): AVQGCGAHPA[Ile460Met]RMAPSLTFKE